The following is an entry in ClinVar:

ClinVar aggregate classification (germline): Uncertain significance (1 of 4 stars; one submission).

Submission:

Labcorp Genetics (formerly Invitae), Labcorp
Classification: Uncertain significance. Last evaluated: 2022-08-16. Review status: criteria provided, single submitter. Criteria: Invitae Variant Classification Sherloc (09022015). Collection method: clinical testing. Allele origin: germline.
Comment: In summary, the available evidence is currently insufficient to determine the role of this variant in disease. Therefore, it has been classified as a Variant of Uncertain Significance. Algorithms developed to predict the effect of missense changes on protein structure and function are either unavailable or do not agree on the potential impact of this missense change (SIFT: "Not Available"; PolyPhen-2: "Benign"; Align-GVGD: "Not Available"). This variant has not been reported in the literature in individuals affected with KCNK4-related conditions. This variant is not present in population databases (gnomAD no frequency). This sequence change replaces serine, which is neutral and polar, with glycine, which is neutral and non-polar, at codon 341 of the KCNK4 protein (p.Ser341Gly).

NM_033310.3(KCNK4):c.1021A>G (p.Ser341Gly)

Genes: KCNK4 (potassium two pore domain channel subfamily K member 4; plus strand), KCNK4-CATSPERZ (KCNK4-CATSPERZ readthrough (NMD candidate); plus strand). Cytogenetic location: 11q13.1.
Variant type: single nucleotide variant.
Coding change: c.1021A>G on transcript NM_033310.3 (MANE Select); coding-DNA position 1021, A replaced by G.
Protein change: p.Ser341Gly; replaces serine 341 with glycine.
Molecular consequence: missense variant. On other transcripts: non-coding transcript variant (3).
Genome position (GRCh38, 1-based): chr11:64,299,565, A>G. VCF-style: chr11-64299565-A-G. GRCh37 (hg19) VCF-style: chr11-64067037-A-G.
Other names: c.1021A>G, p.Ser341Gly (NM_001317090.2, NM_033311.1); short protein forms S341G.
Identifiers: ClinVar variation 2063900 (VCV002063900.4), dbSNP rs2495702902, ClinGen allele CA381068849.